The following is an entry in ClinVar:

ClinVar aggregate classification (germline): Likely benign (0 of 4 stars; one submission).

Conditions:
PKD1L1-related disorder. Also called: PKD1L1-related condition.

Allele frequency attached by ClinVar (database versions not stated): gnomAD 0.00001; TOPMed 0.00003.
gnomAD v4.1: 5 of 1,607,498 alleles (0.00031%); highest among the groups gnomAD compares: African/African-American, 0.0067%; no homozygotes.

Submission:

PreventionGenetics, part of Exact Sciences
Classification: Likely benign for PKD1L1-related condition. Last evaluated: 2022-01-12. Review status: no assertion criteria provided. Collection method: clinical testing. Allele origin: germline.
Comment: This variant is classified as likely benign based on ACMG/AMP sequence variant interpretation guidelines (Richards et al. 2015 PMID: 25741868, with internal and published modifications).

NM_138295.5(PKD1L1):c.7467G>T (p.Val2489=)

Genes: PKD1L1 (polycystin 1 like 1, transient receptor potential channel interacting; minus strand), PKD1L1-AS1 (PKD1L1 antisense RNA 1; plus strand). Cytogenetic location: 7p12.3.
Variant type: single nucleotide variant.
Coding change: c.7467G>T on transcript NM_138295.5 (MANE Select); coding-DNA position 7467, G replaced by T.
Protein change: p.Val2489=; no amino-acid change (valine 2489 retained).
Molecular consequence: synonymous variant.
Genome position (GRCh38, 1-based): chr7:47,811,931, C>A on the plus strand (G>T on the coding strand, the complement: PKD1L1 is on the minus strand). VCF-style: chr7-47811931-C-A. GRCh37 (hg19) VCF-style: chr7-47851529-C-A.
Identifiers: ClinVar variation 3032408 (VCV003032408.2), dbSNP rs937199556, ClinGen allele CA158085795.